The following is an entry in ClinVar:

NM_006231.4(POLE):c.3250C>T (p.Pro1084Ser)

Gene: POLE (DNA polymerase epsilon, catalytic subunit; minus strand). Cytogenetic location: 12q24.33.
Variant type: single nucleotide variant.
Coding change: c.3250C>T on transcript NM_006231.4 (MANE Select); coding-DNA position 3250, C replaced by T.
Protein change: p.Pro1084Ser; replaces proline 1084 with serine.
Molecular consequence: missense variant.
Genome position (GRCh38, 1-based): chr12:132,659,320, G>A on the plus strand (C>T on the coding strand, the complement: POLE is on the minus strand). VCF-style: chr12-132659320-G-A. GRCh37 (hg19) VCF-style: chr12-133235906-G-A.
Other names: short protein forms P1084S.
Identifiers: ClinVar variation 835128 (VCV000835128.9), dbSNP rs2042627412, ClinGen allele CA387390335.
Genomic context (GRCh38, chr12:132,659,320, plus strand): 5'-AGCCCTCACCTCTCCGTGATGGGGGGAGCCCTCACCTCTCCGTGACAGGGGAGCCCTCGG[G>A]CTTGCGGGAGATGATGTAGCGGCAACTCAGCCCTGCATCCTTGACCATCTGGTCTCCCAG-3'
Protein context (NP_006222.2, residues 1074-1094): LSCRYIISRK[Pro1084Ser]EGSPVTERAI

ClinVar aggregate classification (germline): Uncertain significance (1 of 4 stars; one submission).

Submission:

Labcorp Genetics (formerly Invitae), Labcorp
Classification: Uncertain significance. Last evaluated: 2019-12-04. Review status: criteria provided, single submitter. Criteria: Invitae Variant Classification Sherloc (09022015). Collection method: clinical testing. Allele origin: germline.
Comment: This variant has not been reported in the literature in individuals with POLE-related conditions. This variant is not present in population databases (ExAC no frequency). This sequence change replaces proline with serine at codon 1084 of the POLE protein (p.Pro1084Ser). The proline residue is highly conserved and there is a moderate physicochemical difference between proline and serine. In summary, the available evidence is currently insufficient to determine the role of this variant in disease. Therefore, it has been classified as a Variant of Uncertain Significance. Algorithms developed to predict the effect of missense changes on protein structure and function (SIFT, PolyPhen-2, Align-GVGD) all suggest that this variant is likely to be disruptive, but these predictions have not been confirmed by published functional studies and their clinical significance is uncertain.